The following is an entry in ClinVar:

NM_000159.4(GCDH):c.222C>A (p.Tyr74Ter)

Genes: GCDH (glutaryl-CoA dehydrogenase; plus strand), LOC117125594 (CRISPRi-FlowFISH-validated KLF1 regulatory element; plus strand). Cytogenetic location: 19p13.13.
Variant type: single nucleotide variant.
Coding change: c.222C>A on transcript NM_000159.4 (MANE Select); coding-DNA position 222, C replaced by A.
Protein change: p.Tyr74Ter; replaces tyrosine 74 with a stop codon.
Molecular consequence: nonsense. On other transcripts: non-coding transcript variant (2).
Genome position (GRCh38, 1-based): chr19:12,891,925, C>A. VCF-style: chr19-12891925-C-A. GRCh37 (hg19) VCF-style: chr19-13002739-C-A.
Other names: c.222C>A, p.Tyr74Ter (NM_013976.5); short protein forms Y74*.
Identifiers: ClinVar variation 1458803 (VCV001458803.6), dbSNP rs754378464, ClinGen allele CA404315260.

ClinVar aggregate classification (germline): Pathogenic (1 of 4 stars; one submission).

Conditions:
Glutaric aciduria, type 1. Also called: Glutaryl-CoA dehydrogenase deficiency; Glutaric acidemia type I; Glutaricacidemia Type 1; Glutaric Acidemia Type 1; GA I; Glutaricaciduria, type I. Identifiers: Orphanet 25, MedGen C0268595, MONDO:0009281, OMIM 231670.

Submission:

Labcorp Genetics (formerly Invitae), Labcorp
Classification: Pathogenic for Glutaric aciduria, type 1. Last evaluated: 2022-06-20. Review status: criteria provided, single submitter. Criteria: Invitae Variant Classification Sherloc (09022015). Collection method: clinical testing. Allele origin: germline.
Comment: This sequence change creates a premature translational stop signal (p.Tyr74*) in the GCDH gene. It is expected to result in an absent or disrupted protein product. Loss-of-function variants in GCDH are known to be pathogenic (PMID: 10699052, 11854167, 16602100). This variant is not present in population databases (gnomAD no frequency). This variant has not been reported in the literature in individuals affected with GCDH-related conditions. For these reasons, this variant has been classified as Pathogenic.

Literature cited by the submitters: PubMed 10699052; PubMed 11854167; PubMed 16602100.